The following is an entry in ClinVar:

ClinVar aggregate classification (germline): Uncertain significance. Review status: criteria provided, multiple submitters, no conflicts (2 of 4 stars). 3 submissions from 3 submitters: Uncertain significance (3). Last evaluated 2025-09-25.

Conditions:
Cardiovascular phenotype. Identifiers: MedGen CN230736.
Long QT syndrome (LQTS). Identifiers: MedGen C0023976, MeSH D008133, MONDO:0002442. Disease mechanism: loss of function. Inheritance: Various modes of inheritance.
Long QT syndrome 11 (LQT11). Identifiers: Orphanet 101016, Orphanet 768, MedGen C2678483, MONDO:0012738, OMIM 611820.

Allele frequency attached by ClinVar (database versions not stated): gnomAD exomes below 0.00001 and 0.00005; ExAC 0.00001; gnomAD 0.00001; TOPMed 0.00002; ESP Exome Variant Server 0.00015.
gnomAD v4.1: 78 of 1,611,046 alleles (0.0048%); highest among the groups gnomAD compares: Non-Finnish European, 0.0064%; no homozygotes.

Submissions (3):

Ambry Genetics
Classification: Uncertain significance for Cardiovascular phenotype. Last evaluated: 2025-09-25. Review status: criteria provided, single submitter. Criteria: Ambry Variant Classification Scheme 2023. Collection method: clinical testing. Allele origin: germline.
Comment: The p.E788A variant (also known as c.2363A>C), located in coding exon 8 of the AKAP9 gene, results from an A to C substitution at nucleotide position 2363. The glutamic acid at codon 788 is replaced by alanine, an amino acid with dissimilar properties. This amino acid position is not well conserved in available vertebrate species. In addition, this alteration is predicted to be tolerated by in silico analysis. Since supporting evidence is limited at this time, the clinical significance of this alteration remains unclear.

Labcorp Genetics (formerly Invitae), Labcorp
Classification: Uncertain significance for Long QT syndrome. Last evaluated: 2024-11-11. Review status: criteria provided, single submitter. Criteria: Invitae Variant Classification Sherloc (09022015). Collection method: clinical testing. Allele origin: germline.
Comment: This sequence change replaces glutamic acid, which is acidic and polar, with alanine, which is neutral and non-polar, at codon 788 of the AKAP9 protein (p.Glu788Ala). This variant is present in population databases (rs372076987, gnomAD 0.002%). This variant has not been reported in the literature in individuals affected with AKAP9-related conditions. ClinVar contains an entry for this variant (Variation ID: 1395913). An algorithm developed to predict the effect of missense changes on protein structure and function (PolyPhen-2) suggests that this variant is likely to be disruptive. In summary, the available evidence is currently insufficient to determine the role of this variant in disease. Therefore, it has been classified as a Variant of Uncertain Significance.

Fulgent Genetics
Classification: Uncertain significance for Long QT syndrome 11. Last evaluated: 2021-10-20. Review status: criteria provided, single submitter. Criteria: ACMG Guidelines, 2015. Collection method: clinical testing. Allele origin: unknown.

NM_005751.5(AKAP9):c.2363A>C (p.Glu788Ala)

Gene: AKAP9 (A-kinase anchoring protein 9; plus strand). Cytogenetic location: 7q21.2.
Variant type: single nucleotide variant.
Coding change: c.2363A>C on transcript NM_005751.5 (MANE Select); coding-DNA position 2363, A replaced by C.
Protein change: p.Glu788Ala; replaces glutamic acid 788 with alanine.
Molecular consequence: missense variant.
Genome position (GRCh38, 1-based): chr7:92,002,280, A>C. VCF-style: chr7-92002280-A-C. GRCh37 (hg19) VCF-style: chr7-91631594-A-C.
Other names: c.2363A>C, p.Glu788Ala (NM_147185.3); short protein forms E788A.
Identifiers: ClinVar variation 1395913 (VCV001395913.11), dbSNP rs372076987, ClinGen allele CA4336123.